The following is an entry in ClinVar:

NM_001271.4(CHD2):c.949A>C (p.Ile317Leu)

Gene: CHD2 (chromodomain helicase DNA binding protein 2; plus strand). Cytogenetic location: 15q26.1.
Variant type: single nucleotide variant.
Coding change: c.949A>C on transcript NM_001271.4 (MANE Select); coding-DNA position 949, A replaced by C.
Protein change: p.Ile317Leu; replaces isoleucine 317 with leucine.
Molecular consequence: missense variant.
Genome position (GRCh38, 1-based): chr15:92,942,965, A>C. VCF-style: chr15-92942965-A-C. GRCh37 (hg19) VCF-style: chr15-93486195-A-C.
Other names: c.949A>C, p.Ile317Leu (NM_001042572.3); short protein forms I317L.
Identifiers: ClinVar variation 4809036 (VCV004809036.1).

ClinVar aggregate classification (germline): Uncertain significance (1 of 4 stars; one submission).

Conditions:
Developmental and epileptic encephalopathy 94 (DEE94). Also called: CHD2-Related Neurodevelopmental Disorders; Epileptic encephalopathy, childhood-onset. Identifiers: Orphanet 1942, Orphanet 2382, MedGen C3809278, MONDO:0014150, OMIM 615369.

gnomAD v4.1: 20 of 1,614,028 alleles (0.0012%); highest among the groups gnomAD compares: Non-Finnish European, 0.0017%; no homozygotes.

Submission:

Labcorp Genetics (formerly Invitae), Labcorp
Classification: Uncertain significance for Developmental and epileptic encephalopathy 94. Last evaluated: 2025-11-04. Review status: criteria provided, single submitter. Criteria: Invitae Variant Classification Sherloc (09022015). Collection method: clinical testing. Allele origin: germline.
Comment: This sequence change replaces isoleucine, which is neutral and non-polar, with leucine, which is neutral and non-polar, at codon 317 of the CHD2 protein (p.Ile317Leu). This variant is present in population databases (rs750380444, gnomAD 0.0009%). This variant has not been reported in the literature in individuals affected with CHD2-related conditions. Invitae Evidence Modeling of protein sequence and biophysical properties (such as structural, functional, and spatial information, amino acid conservation, physicochemical variation, residue mobility, and thermodynamic stability) indicates that this missense variant is not expected to disrupt CHD2 protein function with a negative predictive value of 95%. In summary, the available evidence is currently insufficient to determine the role of this variant in disease. Therefore, it has been classified as a Variant of Uncertain Significance.